The following is an entry in ClinVar:

ClinVar aggregate classification (germline): Pathogenic (1 of 4 stars; one submission).

Submission:

Labcorp Genetics (formerly Invitae), Labcorp
Classification: Pathogenic. Last evaluated: 2023-11-27. Review status: criteria provided, single submitter. Criteria: Invitae Variant Classification Sherloc (09022015). Collection method: clinical testing. Allele origin: germline.
Comment: This sequence change creates a premature translational stop signal (p.Lys211*) in the NEXMIF gene. It is expected to result in an absent or disrupted protein product. Loss-of-function variants in NEXMIF are known to be pathogenic (PMID: 23615299). This variant is not present in population databases (gnomAD no frequency). This variant has not been reported in the literature in individuals affected with NEXMIF-related conditions. For these reasons, this variant has been classified as Pathogenic.

Literature cited by the submitters: PubMed 23615299.

NM_001008537.3(NEXMIF):c.630dup (p.Lys211Ter)

Gene: NEXMIF (neurite extension and migration factor; minus strand). Cytogenetic location: Xq13.3.
Variant type: Duplication.
Coding change: c.630dup on transcript NM_001008537.3 (MANE Select); coding-DNA position 630, one base duplicated (T; older notation c.630dupT).
Protein change: p.Lys211Ter; replaces lysine 211 with a stop codon.
Molecular consequence: nonsense.
Genome position (GRCh38, 1-based): chrX:74,743,927, A duplicated on the plus strand (T on the coding strand, the reverse complement: NEXMIF is on the minus strand). VCF-style (leftmost placement, unchanged base first): chrX-74743926-T-TA. GRCh37 (hg19) VCF-style: chrX-73963761-T-TA.
Other names: short protein forms K211*.
Identifiers: ClinVar variation 2749344 (VCV002749344.3), dbSNP rs2519916408, ClinGen allele CA2697553163.